The following is an entry in ClinVar:

ClinVar aggregate classification (germline): Uncertain significance. Review status: criteria provided, multiple submitters, no conflicts (2 of 4 stars). 3 submissions from 3 submitters: Uncertain significance (3). Last evaluated 2025-02-02.

Allele frequency attached by ClinVar (database versions not stated): ExAC 0.00001; gnomAD 0.00001; gnomAD exomes 0.00001; TOPMed 0.00002.
gnomAD v4.1: 8 of 1,614,016 alleles (0.0005%); highest among the groups gnomAD compares: Admixed American, 0.0017%; no homozygotes.

Submissions (3):

Labcorp Genetics (formerly Invitae), Labcorp
Classification: Uncertain significance. Last evaluated: 2025-02-02. Review status: criteria provided, single submitter. Criteria: Invitae Variant Classification Sherloc (09022015). Collection method: clinical testing. Allele origin: germline.
Comment: This sequence change replaces threonine, which is neutral and polar, with isoleucine, which is neutral and non-polar, at codon 92 of the APOA1 protein (p.Thr92Ile). This variant is present in population databases (rs766422306, gnomAD 0.003%). This variant has not been reported in the literature in individuals affected with APOA1-related conditions. ClinVar contains an entry for this variant (Variation ID: 1311131). Invitae Evidence Modeling of protein sequence and biophysical properties (such as structural, functional, and spatial information, amino acid conservation, physicochemical variation, residue mobility, and thermodynamic stability) has been performed for this missense variant. However, the output from this modeling did not meet the statistical confidence thresholds required to predict the impact of this variant on APOA1 protein function. In summary, the available evidence is currently insufficient to determine the role of this variant in disease. Therefore, it has been classified as a Variant of Uncertain Significance.

Women's Health and Genetics/Laboratory Corporation of America, LabCorp
Classification: Uncertain significance. Last evaluated: 2023-08-28. Review status: criteria provided, single submitter. Criteria: LabCorp Variant Classification Summary - May 2015. Collection method: clinical testing. Allele origin: germline.
Comment: Variant summary: APOA1 c.275C>T (p.Thr92Ile) results in a non-conservative amino acid change in the encoded protein sequence. Four of five in-silico tools predict a benign effect of the variant on protein function. The variant allele was found at a frequency of 8e-06 in 251332 control chromosomes. The available data on variant occurrences in the general population are insufficient to allow any conclusion about variant significance. To our knowledge, no occurrence of c.275C>T in individuals affected with Cardiomyopathy and no experimental evidence demonstrating its impact on protein function have been reported. Two submitters have cited clinical-significance assessments for this variant to ClinVar after 2014. All submitters classified the variant as uncertain significance. Based on the evidence outlined above, the variant was classified as uncertain significance.

GeneDx
Classification: Uncertain significance. Last evaluated: 2019-12-06. Review status: criteria provided, single submitter. Criteria: GeneDx Variant Classification Process June 2021. Collection method: clinical testing. Allele origin: germline. Affected: yes.
Comment: Not observed at a significant frequency in large population cohorts (Lek et al., 2016); In silico analysis, which includes protein predictors and evolutionary conservation, supports a deleterious effect; Has not been previously published as pathogenic or benign to our knowledge; Missense variants in nearby residues reported in the Human Gene Mutation Database (Stenson et al., 2014)

NM_000039.3(APOA1):c.275C>T (p.Thr92Ile)

Genes: APOA1 (apolipoprotein A1; minus strand), APOA1-AS (APOA1 antisense RNA; plus strand). Cytogenetic location: 11q23.3.
Variant type: single nucleotide variant.
Coding change: c.275C>T on transcript NM_000039.3 (MANE Select); coding-DNA position 275, C replaced by T.
Protein change: p.Thr92Ile; replaces threonine 92 with isoleucine.
Molecular consequence: missense variant.
Genome position (GRCh38, 1-based): chr11:116,836,337, G>A on the plus strand (C>T on the coding strand, the complement: APOA1 is on the minus strand). VCF-style: chr11-116836337-G-A. GRCh37 (hg19) VCF-style: chr11-116707053-G-A.
Other names: c.275C>T, p.Thr92Ile (NM_001318017.2, NM_001318018.2); c.-53C>T (NM_001318021.2); short protein forms T92I.
Identifiers: ClinVar variation 1311131 (VCV001311131.7), dbSNP rs766422306, ClinGen allele CA6289834.
Genomic context (GRCh38, chr11:116,836,337, plus strand): 5'-TTGCTCATCTCCTGCCTCAGGCCCTCTGTCTCCTTTTCCAGGTTATCCCAGAACTCCTGG[G>A]TCACAGGGCCGAGCTGTTCGCGCAGCTTGCTGAAGGTGGAGGTCACGCTGTCCCAGTTGT-3'
Protein context (NP_000030.1, residues 82-102): SKLREQLGPV[Thr92Ile]QEFWDNLEKE